The following is an entry in ClinVar:

ClinVar aggregate classification (germline): Pathogenic (1 of 4 stars; one submission).

Submission:

Labcorp Genetics (formerly Invitae), Labcorp
Classification: Pathogenic. Last evaluated: 2025-12-27. Review status: criteria provided, single submitter. Criteria: Invitae Variant Classification Sherloc (09022015). Collection method: clinical testing. Allele origin: germline.
Comment: This sequence change creates a premature translational stop signal (p.Glu1733*) in the OTOF gene. It is expected to result in an absent or disrupted protein product. Loss-of-function variants in OTOF are known to be pathogenic (PMID: 18381613, 19250381, 22575033). This variant is not present in population databases (gnomAD no frequency). This variant has not been reported in the literature in individuals affected with OTOF-related conditions. For these reasons, this variant has been classified as Pathogenic.

Literature cited by the submitters: PubMed 18381613; PubMed 19250381; PubMed 22575033.

NM_194248.3(OTOF):c.5197G>T (p.Glu1733Ter)

Gene: OTOF (otoferlin; minus strand). Cytogenetic location: 2p23.3.
Variant type: single nucleotide variant.
Coding change: c.5197G>T on transcript NM_194248.3 (MANE Select); coding-DNA position 5197, G replaced by T.
Protein change: p.Glu1733Ter; replaces glutamic acid 1733 with a stop codon.
Molecular consequence: nonsense.
Genome position (GRCh38, 1-based): chr2:26,462,177, C>A on the plus strand (G>T on the coding strand, the complement: OTOF is on the minus strand). VCF-style: chr2-26462177-C-A. GRCh37 (hg19) VCF-style: chr2-26685045-C-A.
Other names: c.5197G>T, p.Glu1733Ter (NM_001287489.2); c.2896G>T, p.Glu966Ter (NM_004802.4, NM_194323.3); c.3127G>T, p.Glu1043Ter (NM_194322.3); short protein forms E1733*, E966*, E1043*.
Identifiers: ClinVar variation 4734234 (VCV004734234.1).